The following is an entry in ClinVar:

ClinVar aggregate classification (germline): Likely benign (1 of 4 stars; one submission).

Allele frequency attached by ClinVar (database versions not stated): gnomAD 0.00395 and 0.00424; TOPMed 0.00439; 1000 Genomes Project 0.00479; 1000 Genomes Project 30x 0.00531.
gnomAD v4.1: 596 of 152,198 alleles (0.39%); highest among the groups gnomAD compares: African/African-American, 1.4%; 4 homozygotes.

Submission:

GeneDx
Classification: Likely benign. Last evaluated: 2018-06-16. Review status: criteria provided, single submitter. Criteria: GeneDx Variant Classification (06012015). Collection method: clinical testing. Allele origin: germline. Affected: yes.
Comment: This variant is considered likely benign or benign based on one or more of the following criteria: it is a conservative change, it occurs at a poorly conserved position in the protein, it is predicted to be benign by multiple in silico algorithms, and/or has population frequency not consistent with disease.

NM_152393.4(KLHL40):c.1153-321G>A

Gene: KLHL40 (kelch like family member 40; plus strand). Cytogenetic location: 3p22.1.
Variant type: single nucleotide variant.
Coding change: c.1153-321G>A on transcript NM_152393.4 (MANE Select); 321 bases into the intron before coding-DNA position 1153, G replaced by A.
Molecular consequence: intron variant.
Genome position (GRCh38, 1-based): chr3:42,687,821, G>A. VCF-style: chr3-42687821-G-A. GRCh37 (hg19) VCF-style: chr3-42729313-G-A.
Identifiers: ClinVar variation 673612 (VCV000673612.1), dbSNP rs137976414, ClinGen allele CA74192558.